The following is an entry in ClinVar:

NM_001002755.4(NFU1):c.8C>G (p.Ala3Gly)

Genes: NFU1 (NFU1 iron-sulfur cluster scaffold; minus strand), LOC129934004 (ATAC-STARR-seq lymphoblastoid active region 15971; plus strand). Cytogenetic location: 2p13.3.
Variant type: single nucleotide variant.
Coding change: c.8C>G on transcript NM_001002755.4 (MANE Select); coding-DNA position 8, C replaced by G.
Protein change: p.Ala3Gly; replaces alanine 3 with glycine.
Molecular consequence: missense variant. On other transcripts: 5 prime UTR variant (2), non-coding transcript variant (2), intron variant (1).
Genome position (GRCh38, 1-based): chr2:69,437,415, G>C on the plus strand (C>G on the coding strand, the complement: NFU1 is on the minus strand). VCF-style: chr2-69437415-G-C. GRCh37 (hg19) VCF-style: chr2-69664547-G-C.
Other names: c.-370C>G (NM_001002756.2); c.-155C>G (NM_015700.4); c.-11+638C>G (NM_001374284.1); short protein forms A3G.
Identifiers: ClinVar variation 1521113 (VCV001521113.8), dbSNP rs975310478, ClinGen allele CA347134695.
Genomic context (GRCh38, chr2:69,437,415, plus strand): 5'-ACCTACCGCCTGCGCAGCCCGGCGGCAACAGCCGCAGCTCCCCAGCCCCGCCTGGCCGTC[G>C]CCGCCATCTTAGTCCGGAGTGCCTAAGGGTCTCCCTGACAGAACCACGAAAGATCTGCGC-3'
Protein context (NP_001002755.1, residues 1-13): MA[Ala3Gly]TARRGWGAAA

ClinVar aggregate classification (germline): Uncertain significance (1 of 4 stars; one submission).

Conditions:
Multiple mitochondrial dysfunctions syndrome 1 (MMDS1). Identifiers: Orphanet 401869, MedGen C3276432, MONDO:0011582, OMIM 605711.

Submission:

Labcorp Genetics (formerly Invitae), Labcorp
Classification: Uncertain significance for Multiple mitochondrial dysfunctions syndrome 1. Last evaluated: 2021-03-29. Review status: criteria provided, single submitter. Criteria: Invitae Variant Classification Sherloc (09022015). Collection method: clinical testing. Allele origin: germline.
Comment: This sequence change replaces alanine with glycine at codon 3 of the NFU1 protein (p.Ala3Gly). The alanine residue is weakly conserved and there is a small physicochemical difference between alanine and glycine. This variant is not present in population databases (ExAC no frequency). In summary, the available evidence is currently insufficient to determine the role of this variant in disease. Therefore, it has been classified as a Variant of Uncertain Significance. Algorithms developed to predict the effect of missense changes on protein structure and function are either unavailable or do not agree on the potential impact of this missense change (SIFT: "Tolerated"; PolyPhen-2: "Not Available"; Align-GVGD: "Class C0"). This variant has not been reported in the literature in individuals with NFU1-related conditions.